The following is an entry in ClinVar:

NM_004758.4(TSPOAP1):c.2569A>G (p.Ile857Val)

Gene: TSPOAP1 (TSPO associated protein 1; minus strand). Cytogenetic location: 17q22.
Variant type: single nucleotide variant.
Coding change: c.2569A>G on transcript NM_004758.4 (MANE Select); coding-DNA position 2569, A replaced by G.
Protein change: p.Ile857Val; replaces isoleucine 857 with valine.
Molecular consequence: missense variant.
Genome position (GRCh38, 1-based): chr17:58,312,252, T>C on the plus strand (A>G on the coding strand, the complement: TSPOAP1 is on the minus strand). VCF-style: chr17-58312252-T-C. GRCh37 (hg19) VCF-style: chr17-56389613-T-C.
Other names: c.2569A>G, p.Ile857Val (NM_001261835.2); c.2389A>G, p.Ile797Val (NM_024418.3); short protein forms I797V, I857V.
Identifiers: ClinVar variation 4083768 (VCV004083768.8).

ClinVar aggregate classification (germline): Benign (1 of 4 stars; one submission).

gnomAD v4.1: 4,099 of 1,612,470 alleles (0.25%); highest among the groups gnomAD compares: South Asian, 1.3%; 36 homozygotes.

Submission:

CeGaT Center for Human Genetics Tuebingen
Classification: Benign. Last evaluated: 2026-02-01. Review status: criteria provided, single submitter. Criteria: CeGaT Center For Human Genetics Tuebingen Variant Classification Criteria Version 2. Collection method: clinical testing. Allele origin: germline. Affected: yes. Observed: 2 variant alleles.
Comment: TSPOAP1: BP4, BS1, BS2